The following is an entry in ClinVar:

ClinVar aggregate classification (germline): Uncertain significance. Review status: criteria provided, multiple submitters, no conflicts (2 of 4 stars). 2 submissions from 2 submitters: Uncertain significance (2). Last evaluated 2024-10-02.

Conditions:
Inborn genetic diseases. Identifiers: MedGen C0950123, MeSH D030342.

gnomAD v4.1: 2 of 1,613,882 alleles (0.00012%); highest among the groups gnomAD compares: African/African-American, 0.0027%; no homozygotes.

Submissions (2):

Ambry Genetics
Classification: Uncertain significance for Inborn genetic diseases. Last evaluated: 2024-10-02. Review status: criteria provided, single submitter. Criteria: Ambry Variant Classification Scheme 2023. Collection method: clinical testing. Allele origin: germline.
Comment: The p.E1142D variant (also known as c.3426G>T), located in coding exon 24 of the ANKRD26 gene, results from a G to T substitution at nucleotide position 3426. The glutamic acid at codon 1142 is replaced by aspartic acid, an amino acid with highly similar properties. This amino acid position is conserved. In addition, this alteration is predicted to be tolerated by in silico analysis. Based on the available evidence, the clinical significance of this variant remains unclear.

GeneDx
Classification: Uncertain significance. Last evaluated: 2024-03-26. Review status: criteria provided, single submitter. Criteria: GeneDx Variant Classification Process June 2021. Collection method: clinical testing. Allele origin: germline. Affected: yes.
Comment: Not observed at significant frequency in large population cohorts (gnomAD); In silico analysis supports that this missense variant has a deleterious effect on protein structure/function; Has not been previously published as pathogenic or benign to our knowledge

NM_014915.3(ANKRD26):c.3426G>T (p.Glu1142Asp)

Gene: ANKRD26 (ankyrin repeat domain containing 26; minus strand). Cytogenetic location: 10p12.1.
Variant type: single nucleotide variant.
Coding change: c.3426G>T on transcript NM_014915.3 (MANE Select); coding-DNA position 3426, G replaced by T.
Protein change: p.Glu1142Asp; replaces glutamic acid 1142 with aspartic acid.
Molecular consequence: missense variant.
Genome position (GRCh38, 1-based): chr10:27,035,024, C>A on the plus strand (G>T on the coding strand, the complement: ANKRD26 is on the minus strand). VCF-style: chr10-27035024-C-A. GRCh37 (hg19) VCF-style: chr10-27323953-C-A.
Other names: c.3423G>T, p.Glu1141Asp (NM_001256053.2); short protein forms E1141D, E1142D.
Identifiers: ClinVar variation 3296907 (VCV003296907.3).